The following is an entry in ClinVar:

NM_002471.4(MYH6):c.181G>A (p.Ala61Thr)

Genes: MYH6 (myosin heavy chain 6; minus strand), LOC114827851 (VISTA enhancer hs2155; plus strand). Cytogenetic location: 14q11.2.
Variant type: single nucleotide variant.
Coding change: c.181G>A on transcript NM_002471.4 (MANE Select); coding-DNA position 181, G replaced by A.
Protein change: p.Ala61Thr; replaces alanine 61 with threonine.
Molecular consequence: missense variant.
Genome position (GRCh38, 1-based): chr14:23,407,043, C>T on the plus strand (G>A on the coding strand, the complement: MYH6 is on the minus strand). VCF-style: chr14-23407043-C-T. GRCh37 (hg19) VCF-style: chr14-23876252-C-T.
Other names: short protein forms A61T.
Identifiers: ClinVar variation 4072512 (VCV004072512.1).

ClinVar aggregate classification (germline): Uncertain significance (1 of 4 stars; one submission).

Submission:

GeneDx
Classification: Uncertain significance. Last evaluated: 2025-01-30. Review status: criteria provided, single submitter. Criteria: GeneDx Variant Classification Process June 2021. Collection method: clinical testing. Allele origin: germline. Affected: yes.
Comment: Has not been previously published as pathogenic or benign to our knowledge; Not observed at significant frequency in large population cohorts (gnomAD); In silico analysis indicates that this missense variant does not alter protein structure/function